The following is an entry in ClinVar:

ClinVar aggregate classification (germline): Conflicting classifications of pathogenicity. Review status: criteria provided, conflicting classifications (1 of 4 stars). 3 submissions from 3 submitters: Uncertain significance (2); Likely benign (1). Last evaluated 2025-09-15.

Conditions:
Hereditary cancer-predisposing syndrome. Also called: Tumor predisposition; Hereditary neoplastic syndrome; Neoplastic Syndromes, Hereditary; Hereditary Cancer Syndrome. Identifiers: Orphanet 140162, MedGen C0027672, MeSH D009386, MONDO:0015356.
Familial cancer of breast. Also called: hereditary breast carcinoma; BREAST CANCER, FAMILIAL; Hereditary breast cancer. Identifiers: Orphanet 227535, MedGen C0346153, MONDO:0016419, OMIM 114480. Disease mechanism: loss of function.

Allele frequency attached by ClinVar (database versions not stated): gnomAD 0.00001; TOPMed 0.00002.
gnomAD v4.1: 2 of 1,613,876 alleles (0.00012%); highest among the groups gnomAD compares: African/African-American, 0.0027%; no homozygotes.

Submissions (3):

Women's Health and Genetics/Laboratory Corporation of America, LabCorp
Classification: Uncertain significance. Last evaluated: 2025-09-15. Review status: criteria provided, single submitter. Criteria: LabCorp Variant Classification Summary - May 2015. Collection method: clinical testing. Allele origin: germline.

Labcorp Genetics (formerly Invitae), Labcorp
Classification: Uncertain significance for Familial cancer of breast. Last evaluated: 2025-02-25. Review status: criteria provided, single submitter. Criteria: Invitae Variant Classification Sherloc (09022015). Collection method: clinical testing. Allele origin: germline.
Comment: This sequence change replaces glutamine, which is neutral and polar, with leucine, which is neutral and non-polar, at codon 61 of the PALB2 protein (p.Gln61Leu). This variant is present in population databases (no rsID available, gnomAD 0.01%). This variant has not been reported in the literature in individuals affected with PALB2-related conditions. ClinVar contains an entry for this variant (Variation ID: 1983037). An algorithm developed to predict the effect of missense changes on protein structure and function (PolyPhen-2) suggests that this variant is likely to be disruptive. In summary, the available evidence is currently insufficient to determine the role of this variant in disease. Therefore, it has been classified as a Variant of Uncertain Significance.

Ambry Genetics
Classification: Likely benign for Hereditary cancer-predisposing syndrome. Last evaluated: 2024-10-04. Review status: criteria provided, single submitter. Criteria: Ambry Variant Classification Scheme 2023. Collection method: clinical testing. Allele origin: germline.

NM_024675.4(PALB2):c.182A>T (p.Gln61Leu)

Gene: PALB2 (partner and localizer of BRCA2; minus strand). Cytogenetic location: 16p12.2.
Variant type: single nucleotide variant.
Coding change: c.182A>T on transcript NM_024675.4 (MANE Select); coding-DNA position 182, A replaced by T.
Protein change: p.Gln61Leu; replaces glutamine 61 with leucine.
Molecular consequence: missense variant.
Genome position (GRCh38, 1-based): chr16:23,637,879, T>A on the plus strand (A>T on the coding strand, the complement: PALB2 is on the minus strand). VCF-style: chr16-23637879-T-A. GRCh37 (hg19) VCF-style: chr16-23649200-T-A.
Other names: c.122A>T, p.Gln41Leu (NM_001407296.1); c.182A>T, p.Gln61Leu (NM_001407297.1, NM_001407298.1, NM_001407299.1 and 3 more transcripts); c.-704A>T (NM_001407304.1, NM_001407305.1, NM_001407306.1 and 5 more transcripts); short protein forms Q41L, Q61L.
Identifiers: ClinVar variation 1983037 (VCV001983037.6), dbSNP rs1354687901, ClinGen allele CA395139076.